The following is an entry in ClinVar:

ClinVar aggregate classification (germline): Benign. Review status: criteria provided, multiple submitters, no conflicts (2 of 4 stars). 3 submissions from 3 submitters: Benign (3). Last evaluated 2019-08-20.

Conditions:
Cystinuria (CSNU). Also called: CYSTINURIA, TYPE I; CYSTINURIA, TYPE II; CYSTINURIA, TYPE III; Cystinuria, non-type I. Identifiers: Orphanet 214, MedGen C0010691, MONDO:0009067, OMIM 220100, HP:0003131.

Allele frequency attached by ClinVar (database versions not stated): 1000 Genomes Project 0.57548; 1000 Genomes Project 30x 0.57933; TOPMed 0.62893; gnomAD 0.63254 and 0.63581; gnomAD exomes 0.65037.
gnomAD v4.1: 494,087 of 764,164 alleles (65%); highest among the groups gnomAD compares: Middle Eastern, 70%; 163,112 homozygotes.

Submissions (3):

GeneDx
Classification: Benign. Last evaluated: 2019-08-20. Review status: criteria provided, single submitter. Criteria: GeneDx Variant Classification Process June 2021. Collection method: clinical testing. Allele origin: germline. Affected: yes.

Illumina Laboratory Services, Illumina
Classification: Benign for Cystinuria. Last evaluated: 2018-01-13. Review status: criteria provided, single submitter. Criteria: ICSL Variant Classification Criteria 13 December 2019. Collection method: clinical testing. Allele origin: germline.
Comment: This variant was observed in the ICSL laboratory as part of a predisposition screen in an ostensibly healthy population. It had not been previously curated by ICSL or reported in the Human Gene Mutation Database (HGMD: prior to June 1st, 2018), and was therefore a candidate for classification through an automated scoring system. Utilizing variant allele frequency, disease prevalence and penetrance estimates, and inheritance mode, an automated score was calculated to assess if this variant is too frequent to cause the disease. Based on the score and internal cut-off values, a variant classified as benign is not then subjected to further curation. The score for this variant resulted in a classification of benign for this disease.

Breakthrough Genomics
Classification: Benign. Review status: criteria provided, single submitter. Criteria: ACMG Guidelines, 2015. Collection method: not provided. Allele origin: germline. Inheritance: Autosomal dominant inheritance. Affected: yes.

NM_000341.4(SLC3A1):c.*131T>C

Genes: PREPL (prolyl endopeptidase like; minus strand), SLC3A1 (solute carrier family 3 member 1; plus strand). Cytogenetic location: 2p21.
Variant type: single nucleotide variant.
Coding change: c.*131T>C on transcript NM_000341.4 (MANE Select); 131 bases downstream of the stop codon, T replaced by C.
Molecular consequence: 3 prime UTR variant.
Genome position (GRCh38, 1-based): chr2:44,320,770, T>C. VCF-style: chr2-44320770-T-C. GRCh37 (hg19) VCF-style: chr2-44547909-T-C.
Other names: c.*586A>G (NM_001042385.2, NM_001042386.2, NM_001171603.1 and 7 more transcripts).
Identifiers: ClinVar variation 336217 (VCV000336217.8), dbSNP rs8886, ClinGen allele CA10615310.